The following is an entry in ClinVar:

NM_000088.4(COL1A1):c.545G>T (p.Gly182Val)

Gene: COL1A1 (collagen type I alpha 1 chain; minus strand). Cytogenetic location: 17q21.33.
Variant type: single nucleotide variant.
Coding change: c.545G>T on transcript NM_000088.4 (MANE Select); coding-DNA position 545, G replaced by T.
Protein change: p.Gly182Val; replaces glycine 182 with valine.
Molecular consequence: missense variant.
Genome position (GRCh38, 1-based): chr17:50,198,204, C>A on the plus strand (G>T on the coding strand, the complement: COL1A1 is on the minus strand). VCF-style: chr17-50198204-C-A. GRCh37 (hg19) VCF-style: chr17-48275565-C-A.
Other names: short protein forms G182V.
Identifiers: ClinVar variation 2744139 (VCV002744139.3), dbSNP rs762653652, ClinGen allele CA8645663.

ClinVar aggregate classification (germline): Likely pathogenic (1 of 4 stars; one submission).

Conditions:
Osteogenesis imperfecta type I (OI1). Also called: Lobstein's Disease; Lobstein disease; OI, TYPE I; OSTEOGENESIS IMPERFECTA TARDA; OSTEOGENESIS IMPERFECTA WITH BLUE SCLERAE; Osteogenesis imperfecta type 1. Identifiers: Orphanet 216796, Orphanet 666, MedGen C0023931, MONDO:0008146, OMIM 166200. Disease mechanism: loss of function.

Allele frequency attached by ClinVar (database versions not stated): gnomAD exomes below 0.00001; ExAC 0.00001.
gnomAD v4.1: 2 of 1,614,002 alleles (0.00012%); highest among the groups gnomAD compares: South Asian, 0.0011%; no homozygotes.

Submission:

Labcorp Genetics (formerly Invitae), Labcorp
Classification: Likely pathogenic for Osteogenesis imperfecta type I. Last evaluated: 2023-07-17. Review status: criteria provided, single submitter. Criteria: Invitae Variant Classification Sherloc (09022015). Collection method: clinical testing. Allele origin: germline.
Comment: In summary, the currently available evidence indicates that the variant is pathogenic, but additional data are needed to prove that conclusively. Therefore, this variant has been classified as Likely Pathogenic. This variant disrupts the triple helix domain of COL1A1. Glycine residues within the Gly-Xaa-Yaa repeats of the triple helix domain are required for the structure and stability of fibrillar collagens (PMID: 7695699, 8218237, 19344236). In COL1A1, variants affecting these glycine residues are significantly enriched in individuals with disease (PMID: 9016532, 17078022) compared to the general population (ExAC). Experimental studies and prediction algorithms are not available or were not evaluated, and the functional significance of this variant is currently unknown. This missense change has been observed in individual(s) with clinical features of Ehlers-Danlos syndrome (PMID: 35119775). This variant is present in population databases (rs762653652, gnomAD 0.003%). This sequence change replaces glycine, which is neutral and non-polar, with valine, which is neutral and non-polar, at codon 182 of the COL1A1 protein (p.Gly182Val).

Literature cited by the submitters: PubMed 7695699; PubMed 8218237; PubMed 19344236; PubMed 9016532; PubMed 17078022; PubMed 35119775.